The following is an entry in ClinVar:

ClinVar aggregate classification (germline): Likely pathogenic (1 of 4 stars; one submission).

Conditions:
Autosomal dominant nonsyndromic hearing loss 2A. Also called: Autosomal dominant nonsyndromic deafness 2A; DFNA2 Nonsyndromic Hearing Loss; Deafness, autosomal dominant 2A. Identifiers: Orphanet 90635, MedGen C2677637, MONDO:0010817, OMIM 600101.

Submission:

Variantyx, Inc.
Classification: Likely pathogenic for Autosomal dominant nonsyndromic hearing loss 2A. Last evaluated: 2025-11-19. Review status: criteria provided, single submitter. Criteria: Variantyx Assertion Criteria 2022. Collection method: clinical testing. Allele origin: germline. Inheritance: Autosomal dominant inheritance. Affected: yes.
Comment: This is a frameshift variant in the KCNQ4 gene (OMIM: 603537). Pathogenic variants in this gene have been associated with autosomal dominant deafness 2A. This variant introduces a premature termination codon in exon 4 out of 14. It is expected to result in loss of function, which is a known disease mechanism for KCNQ4 in this disorder (PMID: 23717403) (PVS1). This variant is absent from control populations (PM2). This variant has not been reported in individuals with KCNQ4-related disorders in the databases available for review. Based on the current evidence, this variant is classified as likely pathogenic for autosomal dominant deafness 2A.

Literature cited by the submitters: PubMed 23717403.

NM_004700.4(KCNQ4):c.678dup (p.Leu227fs)

Gene: KCNQ4 (potassium voltage-gated channel subfamily Q member 4; plus strand). Cytogenetic location: 1p34.2.
Variant type: Duplication.
Coding change: c.678dup on transcript NM_004700.4 (MANE Select); coding-DNA position 678, one base duplicated (G; older notation c.678dupG).
Protein change: p.Leu227fs; shifts the reading frame from leucine 227.
Molecular consequence: frameshift variant.
Genome position (GRCh38, 1-based): chr1:40,818,650, G duplicated. VCF-style (leftmost placement, unchanged base first): chr1-40818649-T-TG. GRCh37 (hg19) VCF-style: chr1-41284321-T-TG.
Other names: c.678dup, p.Leu227fs (NM_172163.3); short protein forms L227fs.
Identifiers: ClinVar variation 4813064 (VCV004813064.1).